The following is an entry in ClinVar:

ClinVar aggregate classification (germline): Uncertain significance. Review status: criteria provided, multiple submitters, no conflicts (2 of 4 stars). 2 submissions from 2 submitters: Uncertain significance (2). Last evaluated 2025-09-11.

Conditions:
Hereditary cancer-predisposing syndrome. Also called: Neoplastic Syndromes, Hereditary; Tumor predisposition; Hereditary Cancer Syndrome; Hereditary neoplastic syndrome. Identifiers: Orphanet 140162, MedGen C0027672, MeSH D009386, MONDO:0015356.

Allele frequency attached by ClinVar (database versions not stated): ExAC 0.00001; gnomAD exomes 0.00001.
gnomAD v4.1: 2 of 1,614,156 alleles (0.00012%); highest among the groups gnomAD compares: Non-Finnish European, 0.00017%; no homozygotes.

Submissions (2):

Ambry Genetics
Classification: Uncertain significance for Hereditary cancer-predisposing syndrome. Last evaluated: 2025-09-11. Review status: criteria provided, single submitter. Criteria: Ambry Variant Classification Scheme 2023. Collection method: clinical testing. Allele origin: germline.
Comment: The p.Y1407F variant (also known as c.4220A>T), located in coding exon 33 of the POLE gene, results from an A to T substitution at nucleotide position 4220. The tyrosine at codon 1407 is replaced by phenylalanine, an amino acid with highly similar properties. This amino acid position is conserved. In addition, this alteration is predicted to be tolerated by in silico analysis. Based on the available evidence, the clinical significance of this variant remains unclear.

Labcorp Genetics (formerly Invitae), Labcorp
Classification: Uncertain significance. Last evaluated: 2024-01-25. Review status: criteria provided, single submitter. Criteria: Invitae Variant Classification Sherloc (09022015). Collection method: clinical testing. Allele origin: germline.
Comment: This sequence change replaces tyrosine, which is neutral and polar, with phenylalanine, which is neutral and non-polar, at codon 1407 of the POLE protein (p.Tyr1407Phe). This variant is present in population databases (rs775556994, gnomAD 0.002%). This variant has not been reported in the literature in individuals affected with POLE-related conditions. ClinVar contains an entry for this variant (Variation ID: 473655). Advanced modeling of protein sequence and biophysical properties (such as structural, functional, and spatial information, amino acid conservation, physicochemical variation, residue mobility, and thermodynamic stability) performed at Invitae indicates that this missense variant is not expected to disrupt POLE protein function with a negative predictive value of 80%. In summary, the available evidence is currently insufficient to determine the role of this variant in disease. Therefore, it has been classified as a Variant of Uncertain Significance.

NM_006231.4(POLE):c.4220A>T (p.Tyr1407Phe)

Gene: POLE (DNA polymerase epsilon, catalytic subunit; minus strand). Cytogenetic location: 12q24.33.
Variant type: single nucleotide variant.
Coding change: c.4220A>T on transcript NM_006231.4 (MANE Select); coding-DNA position 4220, A replaced by T.
Protein change: p.Tyr1407Phe; replaces tyrosine 1407 with phenylalanine.
Molecular consequence: missense variant.
Genome position (GRCh38, 1-based): chr12:132,643,907, T>A on the plus strand (A>T on the coding strand, the complement: POLE is on the minus strand). VCF-style: chr12-132643907-T-A. GRCh37 (hg19) VCF-style: chr12-133220493-T-A.
Other names: c.4220A>T (NM_006231.2); short protein forms Y1407F.
Identifiers: ClinVar variation 473655 (VCV000473655.9), dbSNP rs775556994, ClinGen allele CA6892939.